The following is an entry in ClinVar:

ClinVar aggregate classification (germline): Uncertain significance (1 of 4 stars; one submission).

gnomAD v4.1: 30 of 1,614,064 alleles (0.0019%); highest among the groups gnomAD compares: Non-Finnish European, 0.0023%; no homozygotes.

Submission:

Labcorp Genetics (formerly Invitae), Labcorp
Classification: Uncertain significance. Last evaluated: 2024-07-12. Review status: criteria provided, single submitter. Criteria: Invitae Variant Classification Sherloc (09022015). Collection method: clinical testing. Allele origin: germline.
Comment: This sequence change replaces proline, which is neutral and non-polar, with leucine, which is neutral and non-polar, at codon 427 of the DHX37 protein (p.Pro427Leu). This variant is present in population databases (rs114690825, gnomAD 0.003%). This variant has not been reported in the literature in individuals affected with DHX37-related conditions. Advanced modeling of protein sequence and biophysical properties (such as structural, functional, and spatial information, amino acid conservation, physicochemical variation, residue mobility, and thermodynamic stability) performed at Invitae indicates that this missense variant is not expected to disrupt DHX37 protein function with a negative predictive value of 80%. In summary, the available evidence is currently insufficient to determine the role of this variant in disease. Therefore, it has been classified as a Variant of Uncertain Significance.

NM_032656.4(DHX37):c.1280C>T (p.Pro427Leu)

Gene: DHX37 (DEAH-box helicase 37; minus strand). Cytogenetic location: 12q24.31.
Variant type: single nucleotide variant.
Coding change: c.1280C>T on transcript NM_032656.4 (MANE Select); coding-DNA position 1280, C replaced by T.
Protein change: p.Pro427Leu; replaces proline 427 with leucine.
Molecular consequence: missense variant.
Genome position (GRCh38, 1-based): chr12:124,968,880, G>A on the plus strand (C>T on the coding strand, the complement: DHX37 is on the minus strand). VCF-style: chr12-124968880-G-A. GRCh37 (hg19) VCF-style: chr12-125453426-G-A.
Other names: short protein forms P427L.
Identifiers: ClinVar variation 3719390 (VCV003719390.2).
Genomic context (GRCh38, chr12:124,968,880, plus strand): 5'-GTCCTTGTGCCATCCAAGCTCACAGAGGACATGGGACCCTGTGTTACCTTGATGACCGGC[G>A]GCGGCTTGGCGAAGAGCCGTGGGTTCTGGGTGAAGTCCTCCACCCGCAGCGTGGCCGACA-3'
Protein context (NP_116045.2, residues 417-437): TQNPRLFAKP[Pro427Leu]PVIKVESRQF